The following is an entry in ClinVar:

ClinVar aggregate classification (germline): Uncertain significance (0 of 4 stars; one submission).

Conditions:
SOX5-related disorder. Also called: SOX5-related condition.

Submission:

PreventionGenetics, part of Exact Sciences
Classification: Uncertain significance for SOX5-related condition. Last evaluated: 2024-02-22. Review status: no assertion criteria provided. Collection method: clinical testing. Allele origin: germline.
Comment: The SOX5 c.1105G>A variant is predicted to result in the amino acid substitution p.Val369Ile. To our knowledge, this variant has not been reported in the literature or in a large population database, indicating this variant is rare. At this time, the clinical significance of this variant is uncertain due to the absence of conclusive functional and genetic evidence.

NM_006940.6(SOX5):c.1105G>A (p.Val369Ile)

Gene: SOX5 (SRY-box transcription factor 5; minus strand). Cytogenetic location: 12p12.1.
Variant type: single nucleotide variant.
Coding change: c.1105G>A on transcript NM_006940.6 (MANE Select); coding-DNA position 1105, G replaced by A.
Protein change: p.Val369Ile; replaces valine 369 with isoleucine.
Molecular consequence: missense variant.
Genome position (GRCh38, 1-based): chr12:23,604,446, C>T on the plus strand (G>A on the coding strand, the complement: SOX5 is on the minus strand). VCF-style: chr12-23604446-C-T. GRCh37 (hg19) VCF-style: chr12-23757380-C-T.
Other names: c.1066G>A, p.Val356Ile (NM_001261414.3, NM_152989.5); c.1075G>A, p.Val359Ile (NM_001261415.3); c.1000G>A, p.Val334Ile (NM_001330785.2); short protein forms V334I, V356I, V359I, V369I.
Identifiers: ClinVar variation 3061248 (VCV003061248.2), dbSNP rs1180406066, ClinGen allele CA384318009.
Genomic context (GRCh38, chr12:23,604,446, plus strand): 5'-CCTTGCTTTTGGGTGGTGGGCTGTTTGTGCTCTTGTCTGTGTGAATGCTGGTAGGAGATA[C>T]AGCAGCACCAAGGTTGCCTTGGGGTATGCCTGGCAGCTTCCCTCCTGGAGATACCTGCAT-3'
Protein context (NP_008871.3, residues 359-379): GIPQGNLGAA[Val369Ile]SPTSIHTDKS